The following is an entry in ClinVar:

ClinVar aggregate classification (germline): Uncertain significance (1 of 4 stars; one submission).

Conditions:
Hereditary cancer-predisposing syndrome. Also called: Neoplastic Syndromes, Hereditary; Tumor predisposition; Hereditary Cancer Syndrome; Hereditary neoplastic syndrome. Identifiers: Orphanet 140162, MedGen C0027672, MeSH D009386, MONDO:0015356.

Submission:

Ambry Genetics
Classification: Uncertain significance for Hereditary cancer-predisposing syndrome. Last evaluated: 2026-04-13. Review status: criteria provided, single submitter. Criteria: Ambry Variant Classification Scheme 2023. Collection method: clinical testing. Allele origin: germline.
Comment: The p.S229P variant (also known as c.685T>C), located in coding exon 9 of the BRCA1 gene, results from a T to C substitution at nucleotide position 685. The serine at codon 229 is replaced by proline, an amino acid with similar properties. This amino acid position is conserved. In addition, this alteration is predicted to be deleterious by in silico analysis. Based on the available evidence, the clinical significance of this variant remains unclear.

NM_007294.4(BRCA1):c.685T>C (p.Ser229Pro)

Gene: BRCA1 (BRCA1 DNA repair associated; minus strand). Cytogenetic location: 17q21.31.
Variant type: single nucleotide variant.
Coding change: c.685T>C on transcript NM_007294.4 (MANE Select); coding-DNA position 685, T replaced by C.
Protein change: p.Ser229Pro; replaces serine 229 with proline.
Molecular consequence: missense variant. On other transcripts: 5 prime UTR variant (2), intron variant (13).
Genome position (GRCh38, 1-based): chr17:43,094,846, A>G on the plus strand (T>C on the coding strand, the complement: BRCA1 is on the minus strand). VCF-style: chr17-43094846-A-G. GRCh37 (hg19) VCF-style: chr17-41246863-A-G.
Other names: c.682T>C, p.Ser228Pro (NM_001408399.1, NM_001408400.1, NM_001408401.1 and 38 more transcripts); c.685T>C, p.Ser229Pro (NM_001408403.1, NM_001408404.1, NM_001408406.1 and 53 more transcripts); c.676T>C, p.Ser226Pro (NM_001408408.1, NM_001407646.1, NM_001407647.1); c.607T>C, p.Ser203Pro (NM_001408409.1, NM_001408411.1, NM_001408412.1 and 9 more transcripts); c.562T>C, p.Ser188Pro (NM_001408427.1, NM_001408428.1, NM_001408429.1 and 34 more transcripts); c.559T>C, p.Ser187Pro (NM_001408432.1, NM_001408433.1, NM_001408434.1 and 20 more transcripts); c.475T>C, p.Ser159Pro (NM_001408478.1, NM_001408479.1, NM_001408480.1 and 25 more transcripts); c.472T>C, p.Ser158Pro (NM_001408490.1, NM_001407915.1, NM_001407916.1 and 12 more transcripts); and 20 more; short protein forms S101P, S102P, S117P, S118P, S140P, S141P, S158P, S159P.
Identifiers: ClinVar variation 4867715 (VCV004867715.1).